The following is an entry in ClinVar:

NM_032108.4(SEMA6B):c.1191C>A (p.Asn397Lys)

Gene: SEMA6B (semaphorin 6B; minus strand). Cytogenetic location: 19p13.3.
Variant type: single nucleotide variant.
Coding change: c.1191C>A on transcript NM_032108.4 (MANE Select); coding-DNA position 1191, C replaced by A.
Protein change: p.Asn397Lys; replaces asparagine 397 with lysine.
Molecular consequence: missense variant.
Genome position (GRCh38, 1-based): chr19:4,550,203, G>T on the plus strand (C>A on the coding strand, the complement: SEMA6B is on the minus strand). VCF-style: chr19-4550203-G-T. GRCh37 (hg19) VCF-style: chr19-4550215-G-T.
Other names: short protein forms N397K.
Identifiers: ClinVar variation 1695600 (VCV001695600.2), dbSNP rs769283235, ClinGen allele CA403465247.

ClinVar aggregate classification (germline): Uncertain significance (1 of 4 stars; one submission).

Submission:

GeneDx
Classification: Uncertain significance. Last evaluated: 2022-01-05. Review status: criteria provided, single submitter. Criteria: GeneDx Variant Classification Process June 2021. Collection method: clinical testing. Allele origin: germline. Affected: yes.
Comment: Not observed at significant frequency in large population cohorts (gnomAD); In silico analysis supports that this missense variant has a deleterious effect on protein structure/function; Has not been previously published as pathogenic or benign to our knowledge